The following is an entry in ClinVar:

NR_003051.4(RMRP):n.254T>G

Gene: RMRP (RNA component of mitochondrial RNA processing endoribonuclease; minus strand). Cytogenetic location: 9p13.3.
Variant type: single nucleotide variant.
Genome position: GRCh38 VCF-style: chr9-35657766-A-C. GRCh37 (hg19) VCF-style: chr9-35657763-A-C.
Identifiers: ClinVar variation 2577216 (VCV002577216.1), dbSNP rs781079047, ClinGen allele CA464450196.

ClinVar aggregate classification (germline): Uncertain significance (1 of 4 stars; one submission).

gnomAD v4.1: 2 of 692,810 alleles (0.00029%); highest among the groups gnomAD compares: Non-Finnish European, 0.00053%; no homozygotes.

Submission:

Women's Health and Genetics/Laboratory Corporation of America, LabCorp
Classification: Uncertain significance. Last evaluated: 2023-07-28. Review status: criteria provided, single submitter. Criteria: LabCorp Variant Classification Summary - May 2015. Collection method: clinical testing. Allele origin: germline.
Comment: Variant summary: RMRP n.253T>G alters a nucleotide in the non-coding RNA. The variant allele was found at a frequency of 7.8e-06 in 127620 control chromosomes (gnomAD). The available data on variant occurrences in the general population are insufficient to allow any conclusion about variant significance. To our knowledge, no occurrence of n.253T>G in individuals affected with Cartilage-Hair Hypoplasia and no experimental evidence demonstrating its impact on protein function have been reported. No submitters have cited clinical-significance assessments for this variant to ClinVar after 2014. Based on the evidence outlined above, the variant was classified as uncertain significance.